The following is an entry in ClinVar:

NM_024312.5(GNPTAB):c.3571C>T (p.Arg1191Cys)

Gene: GNPTAB (N-acetylglucosamine-1-phosphate transferase subunits alpha and beta; minus strand). Cytogenetic location: 12q23.2.
Variant type: single nucleotide variant.
Coding change: c.3571C>T on transcript NM_024312.5 (MANE Select); coding-DNA position 3571, C replaced by T.
Protein change: p.Arg1191Cys; replaces arginine 1191 with cysteine.
Molecular consequence: missense variant.
Genome position (GRCh38, 1-based): chr12:101,753,403, G>A on the plus strand (C>T on the coding strand, the complement: GNPTAB is on the minus strand). VCF-style: chr12-101753403-G-A. GRCh37 (hg19) VCF-style: chr12-102147181-G-A.
Other names: short protein forms R1191C.
Identifiers: ClinVar variation 557433 (VCV000557433.16), dbSNP rs1481471124, ClinGen allele CA386292209.

ClinVar aggregate classification (germline): Conflicting classifications of pathogenicity. Review status: criteria provided, conflicting classifications (1 of 4 stars). 5 submissions from 5 submitters: Likely pathogenic (2); Uncertain significance (1). 2 of the submissions do not count toward it. Last evaluated 2026-05-22.

Conditions:
GNPTAB-mucolipidosis. Also called: UDP-N-acetylglucosamine-1-phosphotransferase subunit alpha/beta deficiency. Identifiers: MedGen CN322573, MONDO:0100122.
Mucolipidosis. Also called: Mucolipidoses. Identifiers: Orphanet 79212, MedGen C0026697, MONDO:0019248.
Mucolipidosis type II. Also called: Mucolipidosis II Alpha/Beta; Mucolipidosis 2; ML 2; Inclusion cell disease; Leroy Disease; N-acetylglucosamine 1phosphotransferase deficiency. Identifiers: Orphanet 576, MedGen C2673377, MONDO:0009650, OMIM 252500.
Pseudo-Hurler polydystrophy. Also called: MUCOLIPIDOSIS IIIA; Type III Mucolipidosis; ML IIIA; Mucolipidosis III Alpha/Beta; ML III; ML III ALPHA/BETA. Identifiers: Orphanet 423461, Orphanet 577, MedGen C0033788, MONDO:0018931, OMIM 252600.

Allele frequency attached by ClinVar (database versions not stated): gnomAD 0.00001; gnomAD exomes 0.00001; TOPMed 0.00001.
gnomAD v4.1: 12 of 1,613,890 alleles (0.00074%); highest among the groups gnomAD compares: East Asian, 0.0045%; no homozygotes.

Submissions (5):

Myriad Genetics, Inc.
Classification: Uncertain significance for GNPTAB-mucolipidosis. Last evaluated: 2026-05-22. Review status: criteria provided, single submitter. Criteria: Myriad Autosomal Dominant, Autosomal Recessive and X-Linked Classification Criteria (2023). Collection method: clinical testing. Allele origin: unknown.
Comment: NM_024312.4(GNPTAB):c.3571C>T(R1191C) is a missense variant classified as a variant of uncertain significance in the context of GNPTAB-related disorders. R1191C has been observed in a case with relevant disease (PMID: 29966168). Relevant functional assessments of this variant are not available in the literature. R1191C has been observed in referenced population frequency databases. In summary, there is insufficient evidence to classify NM_024312.4(GNPTAB):c.3571C>T(R1191C) as pathogenic or benign. Please note: this variant was assessed in the context of healthy population screening.

Natera, Inc.
Classification: Likely pathogenic for Mucolipidosis type II. Last evaluated: 2026-01-30. Review status: criteria provided, single submitter. Criteria: Natera Variant Classification Schema (03/2026). Collection method: clinical testing. Allele origin: germline.
Comment: The c.3571C>T variant in GNPTAB is a missense variant predicted to cause substitution of arginine to cysteine at amino acid 1191. This variant is rare in the general population with a frequency below the threshold expected for the associated phenotype(s). This variant has been observed in one or more individuals affected with the associated recessive disease, as either homozygous or compound heterozygous with a second variant (PMID: 39710647). Additionally, this variant has been observed to segregate in affected family members (PMID: 29966168, 39710647). Computational prediction algorithms indicate this variant is likely to affect gene or protein function. Given the available evidence, this variant is classified as Likely Pathogenic.

Labcorp Genetics (formerly Invitae), Labcorp
Classification: Likely pathogenic for Pseudo-Hurler polydystrophy; Mucolipidosis type II. Last evaluated: 2026-01-13. Review status: criteria provided, single submitter. Criteria: Invitae Variant Classification Sherloc (09022015). Collection method: clinical testing. Allele origin: germline.
Comment: This sequence change replaces arginine, which is basic and polar, with cysteine, which is neutral and slightly polar, at codon 1191 of the GNPTAB protein (p.Arg1191Cys). This variant is present in population databases (no rsID available, gnomAD 0.004%). This missense change has been observed in individual(s) with mucolipidosis II (PMID: 29966168). In at least one individual the data is consistent with being in trans (on the opposite chromosome) from a pathogenic variant. ClinVar contains an entry for this variant (Variation ID: 557433). Invitae Evidence Modeling of protein sequence and biophysical properties (such as structural, functional, and spatial information, amino acid conservation, physicochemical variation, residue mobility, and thermodynamic stability) indicates that this missense variant is expected to disrupt GNPTAB protein function with a positive predictive value of 80%. In summary, the currently available evidence indicates that the variant is pathogenic, but additional data are needed to prove that conclusively. Therefore, this variant has been classified as Likely Pathogenic.

Counsyl
Classification: Uncertain significance for Mucolipidosis type II; Pseudo-Hurler polydystrophy. Last evaluated: 2018-04-03. Review status: no assertion criteria provided. Collection method: clinical testing. Allele origin: unknown. Not counted in ClinVar's aggregate classification.

Department of Genetics and Endocrinology, Guangzhou Women and Children’s Medical Center
Classification: Pathogenic for Mucolipidosis. Review status: no assertion criteria provided. Collection method: clinical testing. Allele origin: inherited. Affected: yes. Not counted in ClinVar's aggregate classification.

Literature cited by the submitters: PubMed 29966168 (cited by 3 submitters); PubMed 39710647 (cited by Natera, Inc.); PubMed 26130485 (cited by Counsyl).